The following continues an entry in ClinVar:

NM_016335.6(PRODH):c.1322T>C (p.Leu441Pro)

Gene: PRODH. ClinVar aggregate classification (germline): Conflicting classifications of pathogenicity. Pathogenic (3); Likely pathogenic (7); Uncertain significance (8).

Submissions 13 to 22 of 22:

Clinical Genomics Laboratory, Stanford Medicine
Classification: Uncertain significance for Proline dehydrogenase deficiency. Last evaluated: 2023-09-01. Review status: criteria provided, single submitter. Criteria: ACMG Guidelines, 2015. Collection method: clinical testing. Allele origin: germline. Observed: 1 variant allele, 1 heterozygote.

MGZ Medical Genetics Center
Classification: Uncertain significance for Proline dehydrogenase deficiency. Last evaluated: 2022-04-29. Review status: criteria provided, single submitter. Criteria: ACMG Guidelines, 2015. Collection method: clinical testing. Allele origin: germline. Affected: yes. Observed: 1 variant allele.
Comment: ACMG criteria applied: PS3_MOD, PM3_SUP, PP3, BS2

Centre for Mendelian Genomics, University Medical Centre Ljubljana
Classification: Pathogenic for Schizophrenia 4. Last evaluated: 2020-01-27. Review status: criteria provided, single submitter. Criteria: ACMG Guidelines, 2015. Collection method: clinical testing. Allele origin: unknown. Affected: yes.
Comment: This variant was classified as: Pathogenic. The following ACMG criteria were applied in classifying this variant: PS1,PS3,PM3,PP4. This variant was detected in homozygous state.

Center for Pediatric Genomic Medicine, Children's Mercy Hospital and Clinics
Classification: Likely pathogenic. Last evaluated: 2017-05-19. Review status: criteria provided, single submitter. Criteria: ACMG Guidelines, 2015. Collection method: clinical testing. Allele origin: germline.

GeneDx
Classification: Likely pathogenic. Last evaluated: 2016-03-15. Review status: criteria provided, single submitter. Criteria: GeneDx Variant Classification (06012015). Collection method: clinical testing. Allele origin: germline. Affected: yes.
Comment: The L441P variant in the PRODH gene has been reported previously in association with hyperprolinemia type I (Jacquet et al., 2002). The NHLBI ESP Exome Sequencing Project reports L441P was observed in 58/8600 alleles from individuals of European-American background, with no homozygous individuals reported. The L441P variant is a semi-conservative amino acid substitution, which may impact secondary protein structure as these residues differ in some properties. This substitution occurs at a position that is conserved across species. Functional studies show that the L441P variant leads to reduced stability of proline oxidase and significant reduction in its activity (Bender et al., 2005). The L441P variant is a strong candidate for a pathogenic variant, however the possibility it may be a rare benign variant cannot be excluded.

Juno Genomics, Hangzhou Juno Genomics, Inc
Classification: Likely pathogenic for Schizophrenia 4; Proline dehydrogenase deficiency. Review status: criteria provided, single submitter. Criteria: ACMG Guidelines, 2015. Collection method: clinical testing. Allele origin: germline.
Comment: Absent from controls (or at extremely low frequency if recessive) in Genome Aggregation Database.;Well-established in vitro or in vivo functional studies supportive of a damaging effect on the gene or gene product.;For recessive disorders, detected in trans with a pathogenic variant.;Patient's phenotype or family history is highly specific for a disease with a single genetic etiology.

Clinical Laboratory Sciences Program (CLSP), King Saud bin Abdulaziz University for Health Sciences (KSAU-HS)
Classification: Uncertain significance for Proline dehydrogenase deficiency. Last evaluated: 2023-04-01. Review status: no assertion criteria provided. Collection method: clinical testing. Allele origin: germline. Affected: yes. Not counted in ClinVar's aggregate classification.

OMIM
Classification: Pathogenic for HYPERPROLINEMIA, TYPE I. Last evaluated: 2005-03-01. Review status: no assertion criteria provided. Collection method: literature only. Allele origin: germline. Not counted in ClinVar's aggregate classification.

OMIM
Classification: risk factor for SCHIZOPHRENIA, SUSCEPTIBILITY TO, 4. Last evaluated: 2005-03-01. Review status: no assertion criteria provided. Collection method: literature only. Allele origin: germline. Not counted in ClinVar's aggregate classification.

Department of Pathology and Laboratory Medicine, Sinai Health System
Classification: Uncertain significance. Review status: no assertion criteria provided. Collection method: clinical testing. Allele origin: unknown. Affected: yes. Study: The Canadian Open Genetics Repository (COGR). Not counted in ClinVar's aggregate classification.
Comment: The PRODH p.Leu441Pro variant was identified in 4 of 934 proband chromosomes (frequency: 0.0043) from individuals or families with schizophrenia (Jacquet_2002_PMID:12217952; Jacquet_2005_PMID:1549470). This variant was also identified as a homozygous variant in two unrelated children with severe type I hyperprolinemia with neurological manifestations (Jacquet_2002_PMID:12217952). In transient transfection assays, this variant was found to severely (>70%) reduce POX activity (Bender_2005_PMID:15662599). The variant was identified in dbSNP (ID: rs2904551), LOVD 3.0 (classified as a VUS and pathogenic) and ClinVar (classified as likely pathogenic by GeneDx, Center for Pediatric Genomic Medicine Children's Mercy Hospital and Clinics and CeGaT Praxis fuer Humangenetik Tuebingen, and as uncertain significance by Invitae for Proline dehydrogenase deficiency). The variant was identified in control databases in 1454 of 281208 chromosomes (13 homozygous) at a frequency of 0.005171 increasing the likelihood this could be a low frequency benign variant (Genome Aggregation Database March 6, 2019, v2.1.1). The variant was observed in the following populations: Latino in 231 of 35338 chromosomes (freq: 0.006537), Other in 46 of 7194 chromosomes (freq: 0.006394), East Asian in 117 of 19810 chromosomes (freq: 0.005906), Ashkenazi Jewish in 57 of 10298 chromosomes (freq: 0.005535), European (non-Finnish) in 639 of 128296 chromosomes (freq: 0.004981), African in 118 of 24764 chromosomes (freq: 0.004765), South Asian in 136 of 30462 chromosomes (freq: 0.004465), and European (Finnish) in 110 of 25046 chromosomes (freq: 0.004392). The p.Leu441 residue is not conserved in mammals and computational analyses (PolyPhen-2, SIFT, AlignGVGD, BLOSUM, MutationTaster) provide inconsistent predictions regarding the impact to the protein. The variant occurs outside of the splicing consensus sequence and 2 of 4 in silico or computational prediction software programs (SpliceSiteFinder, MaxEntScan, NNSPLICE, GeneSplicer) predict a greater than 10% difference in splicing; this is not very predictive of pathogenicity. In summary, based on the above information the clinical significance of this variant cannot be determined with certainty at this time. This variant is classified as a variant of uncertain significance.

Literature cited by the submitters: PubMed 12217952 (cited by 5 submitters); PubMed 15449943 (cited by Ambry Genetics); PubMed 15494707 (cited by Ambry Genetics); PubMed 15662599 (cited by 4 submitters); PubMed 17412540 (cited by Ambry Genetics); PubMed 20524212 (cited by 3 submitters); PubMed 37636236 (cited by Ambry Genetics and Women's Health and Genetics/Laboratory Corporation of America, LabCorp); PubMed 28851938 (cited by Women's Health and Genetics/Laboratory Corporation of America, LabCorp); PubMed 32725632 (cited by Women's Health and Genetics/Laboratory Corporation of America, LabCorp); PubMed 28264926 (cited by Women's Health and Genetics/Laboratory Corporation of America, LabCorp); PubMed 17135275 (cited by Women's Health and Genetics/Laboratory Corporation of America, LabCorp); PubMed 37147621 (cited by Women's Health and Genetics/Laboratory Corporation of America, LabCorp); PubMed 37656460 (cited by Women's Health and Genetics/Laboratory Corporation of America, LabCorp); PubMed 38651393 (cited by Women's Health and Genetics/Laboratory Corporation of America, LabCorp); PubMed 37803864 (cited by Labcorp Genetics (formerly Invitae), Labcorp); PubMed 11510941 (cited by OMIM).